The following is an entry in ClinVar:

NM_021098.3(CACNA1H):c.4027A>T (p.Met1343Leu)

Gene: CACNA1H (calcium voltage-gated channel subunit alpha1 H; plus strand). Cytogenetic location: 16p13.3.
Variant type: single nucleotide variant.
Coding change: c.4027A>T on transcript NM_021098.3 (MANE Select); coding-DNA position 4027, A replaced by T.
Protein change: p.Met1343Leu; replaces methionine 1343 with leucine.
Molecular consequence: missense variant.
Genome position (GRCh38, 1-based): chr16:1,210,640, A>T. VCF-style: chr16-1210640-A-T. GRCh37 (hg19) VCF-style: chr16-1260640-A-T.
Other names: c.4027A>T, p.Met1343Leu (NM_001005407.2); short protein forms M1343L.
Identifiers: ClinVar variation 4884480 (VCV004884480.1).

ClinVar aggregate classification (germline): Uncertain significance (1 of 4 stars; one submission).

Conditions:
Epilepsy, childhood absence, susceptibility to, 6. Identifiers: Orphanet 64280, MedGen C2749872, MONDO:0012763, OMIM 611942.

Submission:

Diagnostics Services (NGS), CSIR - Centre For Cellular And Molecular Biology
Classification: Uncertain significance for Epilepsy, childhood absence, susceptibility to, 6. Last evaluated: 2026-05-05. Review status: criteria provided, single submitter. Criteria: ACMG Guidelines, 2015. Collection method: clinical testing. Allele origin: germline. Observed: 1 variant allele, 1 heterozygote.
Comment: The c.4027A>T variant is not present in 1000 Genomes, EVS, gnomAD, Indian Exome Database, gnomAD or our internal database. This variant has neither been published in the literature for CACNA1H-related conditions nor reported to HGMD, ClinVar or OMIM databases in any affected individuals. In-silico pathogenicity prediction programs like MutationTaster2021, REVEL, CADD, etc. predicted this variant to be likely deleterious, however these predictions were not confirmed by published functional studies.